The following is an entry in ClinVar:

ClinVar aggregate classification (germline): Conflicting classifications of pathogenicity. Review status: criteria provided, conflicting classifications (1 of 4 stars). 6 submissions from 6 submitters: Likely pathogenic (4); Uncertain significance (2). Last evaluated 2026-06-09.

Conditions:
PDE6A-related disorder. Also called: PDE6A-related condition.
Retinal dystrophy. Also called: Inherited retinal dystrophy. Identifiers: Orphanet 71862, MedGen C0854723, MeSH D058499, MONDO:0019118, HP:0000556.
Retinitis pigmentosa 43 (RP43). Identifiers: Orphanet 791, MedGen C3151139, MONDO:0013437, OMIM 613810.

Allele frequency attached by ClinVar (database versions not stated): TOPMed 0.00001.
gnomAD v4.1: 12 of 1,613,930 alleles (0.00074%); highest among the groups gnomAD compares: Non-Finnish European, 0.00093%; no homozygotes.

Submissions (6):

PreventionGenetics, part of Exact Sciences
Classification: Likely pathogenic for PDE6A-related condition. Last evaluated: 2026-06-09. Review status: criteria provided, single submitter. Criteria: ACMG Guidelines, 2015. Collection method: clinical testing. Allele origin: germline.
Comment: The PDE6A c.1689C>A variant is predicted to result in the amino acid substitution p.His563Gln. This variant was reported, along with additional variants in the same gene, in an individual with retinitis pigmentosa (Birtel et al. 2018. PubMed ID: 30543658). This variant was also described, in the heterozygous state along with a known pathogenic variant in the same gene, in individuals with retinitis pigmentosa (Kuehlewein et al. 2020. PubMed ID: 33057649; PreventionGenetics, internal data). This variant is reported in 0.0018% of alleles in individuals of European (Non-Finnish) descent in gnomAD. This variant is interpreted as likely pathogenic.

CeGaT Center for Human Genetics Tuebingen
Classification: Likely pathogenic. Last evaluated: 2026-06-01. Review status: criteria provided, single submitter. Criteria: CeGaT Center For Human Genetics Tuebingen Variant Classification Criteria Version 2. Collection method: clinical testing. Allele origin: germline. Affected: yes. Observed: 1 variant allele.
Comment: PDE6A: PM3:Strong, PM2, PM5:Supporting, PP3

Labcorp Genetics (formerly Invitae), Labcorp
Classification: Likely pathogenic. Last evaluated: 2024-05-20. Review status: criteria provided, single submitter. Criteria: Invitae Variant Classification Sherloc (09022015). Collection method: clinical testing. Allele origin: germline.
Comment: This sequence change replaces histidine, which is basic and polar, with glutamine, which is neutral and polar, at codon 563 of the PDE6A protein (p.His563Gln). This variant is present in population databases (rs776918069, gnomAD 0.002%). This missense change has been observed in individual(s) with retinitis pigmentosa (PMID: 30543658, 33057649). In at least one individual the data is consistent with being in trans (on the opposite chromosome) from a pathogenic variant. ClinVar contains an entry for this variant (Variation ID: 866352). Advanced modeling of protein sequence and biophysical properties (such as structural, functional, and spatial information, amino acid conservation, physicochemical variation, residue mobility, and thermodynamic stability) performed at Invitae indicates that this missense variant is expected to disrupt PDE6A protein function with a positive predictive value of 80%. In summary, the currently available evidence indicates that the variant is pathogenic, but additional data are needed to prove that conclusively. Therefore, this variant has been classified as Likely Pathogenic.

Blueprint Genetics
Classification: Uncertain significance. Last evaluated: 2021-09-18. Review status: criteria provided, single submitter. Criteria: ACMG Guidelines, 2015. Collection method: clinical testing. Allele origin: germline.

Fulgent Genetics
Classification: Uncertain significance for Retinitis pigmentosa 43. Last evaluated: 2021-08-26. Review status: criteria provided, single submitter. Criteria: ACMG Guidelines, 2015. Collection method: clinical testing. Allele origin: unknown.

Institute of Human Genetics, Univ. Regensburg, Univ. Regensburg
Classification: Likely pathogenic for Retinal dystrophy. Last evaluated: 2020-01-01. Review status: criteria provided, single submitter. Criteria: ACMG Guidelines, 2015. Collection method: clinical testing. Allele origin: germline. Affected: yes.

Literature cited by the submitters: PubMed 30543658 (cited by Labcorp Genetics (formerly Invitae), Labcorp and Institute of Human Genetics, Univ. Regensburg, Univ. Regensburg); PubMed 33057649 (cited by Labcorp Genetics (formerly Invitae), Labcorp).

NM_000440.3(PDE6A):c.1689C>A (p.His563Gln)

Gene: PDE6A (phosphodiesterase 6A; minus strand). Cytogenetic location: 5q32.
Variant type: single nucleotide variant.
Coding change: c.1689C>A on transcript NM_000440.3 (MANE Select); coding-DNA position 1689, C replaced by A.
Protein change: p.His563Gln; replaces histidine 563 with glutamine.
Molecular consequence: missense variant.
Genome position (GRCh38, 1-based): chr5:149,895,222, G>T on the plus strand (C>A on the coding strand, the complement: PDE6A is on the minus strand). VCF-style: chr5-149895222-G-T. GRCh37 (hg19) VCF-style: chr5-149274785-G-T.
Other names: short protein forms H563Q.
Identifiers: ClinVar variation 866352 (VCV000866352.17), dbSNP rs776918069, ClinGen allele CA3504592.